The following is an entry in ClinVar:

NM_020526.5(EPHA8):c.631C>T (p.Leu211=)

Gene: EPHA8 (EPH receptor A8; plus strand). Cytogenetic location: 1p36.12.
Variant type: single nucleotide variant.
Coding change: c.631C>T on transcript NM_020526.5 (MANE Select); coding-DNA position 631, C replaced by T.
Protein change: p.Leu211=; no amino-acid change (leucine 211 retained).
Molecular consequence: synonymous variant.
Genome position (GRCh38, 1-based): chr1:22,576,688, C>T. VCF-style: chr1-22576688-C-T. GRCh37 (hg19) VCF-style: chr1-22903181-C-T.
Other names: c.631C>T, p.Leu211= (NM_001006943.3).
Identifiers: ClinVar variation 773392 (VCV000773392.27), dbSNP rs56193119, ClinGen allele CA676662.

ClinVar aggregate classification (germline): Benign/Likely benign. Review status: criteria provided, multiple submitters, no conflicts (2 of 4 stars). 2 submissions from 2 submitters: Benign (1); Likely benign (1). Last evaluated 2022-11-01.

Allele frequency attached by ClinVar (database versions not stated): 1000 Genomes Project 30x 0.00172; 1000 Genomes Project 0.00220; TOPMed 0.00476; ESP Exome Variant Server 0.00592; gnomAD 0.00626 and 0.00649.

Submissions (2):

CeGaT Center for Human Genetics Tuebingen
Classification: Likely benign. Last evaluated: 2022-11-01. Review status: criteria provided, single submitter. Criteria: CeGaT Center For Human Genetics Tuebingen Variant Classification Criteria Version 2. Collection method: clinical testing. Allele origin: germline. Affected: yes. Observed: 1 variant allele.
Comment: EPHA8: BP4, BP7, BS2

Labcorp Genetics (formerly Invitae), Labcorp
Classification: Benign. Last evaluated: 2018-06-16. Review status: criteria provided, single submitter. Criteria: Invitae Variant Classification Sherloc (09022015). Collection method: clinical testing. Allele origin: germline.